The following is an entry in ClinVar:

NM_017780.4(CHD7):c.4891A>G (p.Lys1631Glu)

Gene: CHD7 (chromodomain helicase DNA binding protein 7; plus strand). Cytogenetic location: 8q12.2.
Variant type: single nucleotide variant.
Coding change: c.4891A>G on transcript NM_017780.4 (MANE Select); coding-DNA position 4891, A replaced by G.
Protein change: p.Lys1631Glu; replaces lysine 1631 with glutamic acid.
Molecular consequence: missense variant. On other transcripts: intron variant (1).
Genome position (GRCh38, 1-based): chr8:60,844,904, A>G. VCF-style: chr8-60844904-A-G. GRCh37 (hg19) VCF-style: chr8-61757463-A-G.
Other names: c.1717-17325A>G (NM_001316690.1); short protein forms K1631E.
Identifiers: ClinVar variation 3649818 (VCV003649818.2).

ClinVar aggregate classification (germline): Uncertain significance (1 of 4 stars; one submission).

Conditions:
CHARGE syndrome (CHARGE). Also called: Hittner Hirsch Kreh syndrome; CHARGE ASSOCIATION--COLOBOMA, HEART ANOMALY, CHOANAL ATRESIA, RETARDATION, GENITAL AND EAR ANOMALIES; Coloboma, heart anomaly, choanal atresia, retardation, genital and ear anomalies; CHARGE association; Hall-Hittner syndrome. Identifiers: Orphanet 138, MedGen C0265354, MONDO:0008965.

Submission:

Labcorp Genetics (formerly Invitae), Labcorp
Classification: Uncertain significance for CHARGE syndrome. Last evaluated: 2024-08-13. Review status: criteria provided, single submitter. Criteria: Invitae Variant Classification Sherloc (09022015). Collection method: clinical testing. Allele origin: germline.
Comment: This sequence change replaces lysine, which is basic and polar, with glutamic acid, which is acidic and polar, at codon 1631 of the CHD7 protein (p.Lys1631Glu). This variant is not present in population databases (gnomAD no frequency). This variant has not been reported in the literature in individuals affected with CHD7-related conditions. Advanced modeling of protein sequence and biophysical properties (such as structural, functional, and spatial information, amino acid conservation, physicochemical variation, residue mobility, and thermodynamic stability) performed at Invitae indicates that this missense variant is expected to disrupt CHD7 protein function with a positive predictive value of 80%. In summary, the available evidence is currently insufficient to determine the role of this variant in disease. Therefore, it has been classified as a Variant of Uncertain Significance.